The following is an entry in ClinVar:

NM_017654.4(SAMD9):c.3536A>G (p.Glu1179Gly)

Gene: SAMD9 (sterile alpha motif domain containing 9; minus strand). Cytogenetic location: 7q21.2.
Variant type: single nucleotide variant.
Coding change: c.3536A>G on transcript NM_017654.4 (MANE Select); coding-DNA position 3536, A replaced by G.
Protein change: p.Glu1179Gly; replaces glutamic acid 1179 with glycine.
Molecular consequence: missense variant.
Genome position (GRCh38, 1-based): chr7:93,102,562, T>C on the plus strand (A>G on the coding strand, the complement: SAMD9 is on the minus strand). VCF-style: chr7-93102562-T-C. GRCh37 (hg19) VCF-style: chr7-92731875-T-C.
Other names: c.3536A>G (NM_017654.3); c.3536A>G, p.Glu1179Gly (NM_001193307.2); short protein forms E1179G.
Identifiers: ClinVar variation 2978384 (VCV002978384.4), dbSNP rs766505454, ClinGen allele CA161990361.

ClinVar aggregate classification (germline): Uncertain significance. Review status: criteria provided, multiple submitters, no conflicts (2 of 4 stars). 2 submissions from 2 submitters: Uncertain significance (2). Last evaluated 2025-01-21.

Conditions:
Inborn genetic diseases. Identifiers: MedGen C0950123, MeSH D030342.

Allele frequency attached by ClinVar (database versions not stated): gnomAD 0.00001; TOPMed 0.00002.
gnomAD v4.1: 2 of 1,613,780 alleles (0.00012%); highest among the groups gnomAD compares: Non-Finnish European, 0.00017%; no homozygotes.

Submissions (2):

Ambry Genetics
Classification: Uncertain significance for Inborn genetic diseases. Last evaluated: 2025-01-21. Review status: criteria provided, single submitter. Criteria: Ambry Variant Classification Scheme 2023. Collection method: clinical testing. Allele origin: germline.
Comment: The p.E1179G variant (also known as c.3536A>G), located in coding exon 1 of the SAMD9 gene, results from an A to G substitution at nucleotide position 3536. The glutamic acid at codon 1179 is replaced by glycine, an amino acid with similar properties. This amino acid position is conserved. In addition, this alteration is predicted to be tolerated by in silico analysis. Based on the available evidence, the clinical significance of this variant remains unclear.

Labcorp Genetics (formerly Invitae), Labcorp
Classification: Uncertain significance. Last evaluated: 2023-09-17. Review status: criteria provided, single submitter. Criteria: Invitae Variant Classification Sherloc (09022015). Collection method: clinical testing. Allele origin: germline.
Comment: In summary, the available evidence is currently insufficient to determine the role of this variant in disease. Therefore, it has been classified as a Variant of Uncertain Significance. Advanced modeling of protein sequence and biophysical properties (such as structural, functional, and spatial information, amino acid conservation, physicochemical variation, residue mobility, and thermodynamic stability) performed at Invitae indicates that this missense variant is not expected to disrupt SAMD9 protein function. This variant has not been reported in the literature in individuals affected with SAMD9-related conditions. This variant is not present in population databases (gnomAD no frequency). This sequence change replaces glutamic acid, which is acidic and polar, with glycine, which is neutral and non-polar, at codon 1179 of the SAMD9 protein (p.Glu1179Gly).